The following is an entry in ClinVar:

NM_182961.4(SYNE1):c.22191+211G>A

Gene: SYNE1 (spectrin repeat containing nuclear envelope protein 1; minus strand). Cytogenetic location: 6q25.2.
Variant type: single nucleotide variant.
Coding change: c.22191+211G>A on transcript NM_182961.4 (MANE Select); 211 bases into the intron after coding-DNA position 22191, G replaced by A.
Molecular consequence: intron variant.
Genome position (GRCh38, 1-based): chr6:152,218,046, C>T on the plus strand (G>A on the coding strand, the complement: SYNE1 is on the minus strand). VCF-style: chr6-152218046-C-T. GRCh37 (hg19) VCF-style: chr6-152539181-C-T.
Other names: c.21978+211G>A (NM_033071.5).
Identifiers: ClinVar variation 670205 (VCV000670205.1), dbSNP rs1408462, ClinGen allele CA12282181.

ClinVar aggregate classification (germline): Benign (1 of 4 stars; one submission).

Allele frequency attached by ClinVar (database versions not stated): gnomAD 0.49322 and 0.49841; TOPMed 0.50153; 1000 Genomes Project 0.58926; 1000 Genomes Project 30x 0.59041.
gnomAD v4.1: 75,450 of 151,666 alleles (50%); highest among the groups gnomAD compares: East Asian, 74%; 19,382 homozygotes.

Submission:

GeneDx
Classification: Benign. Last evaluated: 2018-06-14. Review status: criteria provided, single submitter. Criteria: GeneDx Variant Classification (06012015). Collection method: clinical testing. Allele origin: germline. Affected: yes.
Comment: This variant is considered likely benign or benign based on one or more of the following criteria: it is a conservative change, it occurs at a poorly conserved position in the protein, it is predicted to be benign by multiple in silico algorithms, and/or has population frequency not consistent with disease.